The following is an entry in ClinVar:

ClinVar aggregate classification (germline): Uncertain significance (1 of 4 stars; one submission).

Conditions:
Developmental and epileptic encephalopathy, 12 (DEE12). Identifiers: MedGen C3150988, MONDO:0013389, OMIM 613722.

Submission:

Labcorp Genetics (formerly Invitae), Labcorp
Classification: Uncertain significance for Developmental and epileptic encephalopathy, 12. Last evaluated: 2020-03-05. Review status: criteria provided, single submitter. Criteria: Invitae Variant Classification Sherloc (09022015). Collection method: clinical testing. Allele origin: germline.
Comment: This sequence change replaces glycine with valine at codon 75 of the PNKP protein (p.Gly75Val). The glycine residue is moderately conserved and there is a moderate physicochemical difference between glycine and valine. This variant is not present in population databases (ExAC no frequency). This variant has not been reported in the literature in individuals with PNKP-related conditions. Algorithms developed to predict the effect of missense changes on protein structure and function are either unavailable or do not agree on the potential impact of this missense change (SIFT: "Deleterious"; PolyPhen-2: "Probably Damaging"; Align-GVGD: "Class C0"). In summary, the available evidence is currently insufficient to determine the role of this variant in disease. Therefore, it has been classified as a Variant of Uncertain Significance.

NM_007254.4(PNKP):c.224G>T (p.Gly75Val)

Gene: PNKP (polynucleotide kinase 3'-phosphatase; minus strand). Cytogenetic location: 19q13.33.
Variant type: single nucleotide variant.
Coding change: c.224G>T on transcript NM_007254.4 (MANE Select); coding-DNA position 224, G replaced by T.
Protein change: p.Gly75Val; replaces glycine 75 with valine.
Molecular consequence: missense variant.
Genome position (GRCh38, 1-based): chr19:49,865,401, C>A on the plus strand (G>T on the coding strand, the complement: PNKP is on the minus strand). VCF-style: chr19-49865401-C-A. GRCh37 (hg19) VCF-style: chr19-50368658-C-A.
Other names: short protein forms G75V.
Identifiers: ClinVar variation 843275 (VCV000843275.12), dbSNP rs2074810870, ClinGen allele CA406891309.